The following is an entry in ClinVar:

ClinVar aggregate classification (germline): Uncertain significance (1 of 4 stars; one submission).

Submission:

GeneDx
Classification: Uncertain significance. Last evaluated: 2026-04-17. Review status: criteria provided, single submitter. Criteria: GeneDx Variant Classification Process June 2021. Collection method: clinical testing. Allele origin: germline.
Comment: Not observed at significant frequency in large population cohorts (gnomAD); In silico analysis supports that this missense variant has a deleterious effect on protein structure/function; Has not been previously published as pathogenic or benign to our knowledge; Reported using an alternate transcript of the gene

NM_080425.4(GNAS):c.2050C>G (p.His684Asp)

Gene: GNAS (GNAS complex locus; plus strand). Cytogenetic location: 20q13.32.
Variant type: single nucleotide variant.
Coding change: c.2050C>G on transcript NM_080425.4 (MANE Plus Clinical); coding-DNA position 2050, C replaced by G.
Protein change: p.His684Asp; replaces histidine 684 with aspartic acid.
Molecular consequence: missense variant. On other transcripts: synonymous variant (2), intron variant (3).
Genome position (GRCh38, 1-based): chr20:58,855,315, C>G. VCF-style: chr20-58855315-C-G. GRCh37 (hg19) VCF-style: chr20-57430370-C-G.
Other names: c.1863C>G, p.Arg621= (NM_001077490.3, NM_001309883.1); c.2050C>G, p.His684Asp (NM_001410913.1); c.*42+14429C>G (NM_016592.5); c.43+14429C>G (NM_001410912.1); c.-39+13440C>G (NM_001309861.2); short protein forms H684D.
Identifiers: ClinVar variation 5037366 (VCV005037366.1).